The following is an entry in ClinVar:

NM_000431.4(MVK):c.115C>T (p.Leu39Phe)

Gene: MVK (mevalonate kinase; plus strand). Cytogenetic location: 12q24.11.
Variant type: single nucleotide variant.
Coding change: c.115C>T on transcript NM_000431.4 (MANE Select); coding-DNA position 115, C replaced by T.
Protein change: p.Leu39Phe; replaces leucine 39 with phenylalanine.
Molecular consequence: missense variant. On other transcripts: 5 prime UTR variant (1), non-coding transcript variant (4).
Genome position (GRCh38, 1-based): chr12:109,576,034, C>T. VCF-style: chr12-109576034-C-T. GRCh37 (hg19) VCF-style: chr12-110013839-C-T.
Other names: c.115C>T (NM_000431.3); c.115C>T, p.Leu39Phe (NM_001114185.3, NM_001301182.2, NM_001414511.1 and 3 more transcripts); c.-468C>T (NM_001414515.1); short protein forms L39F.
Identifiers: ClinVar variation 3574223 (VCV003574223.3).
Genomic context (GRCh38, chr12:109,576,034, plus strand): 5'-TTGCTTTTGTCATTTATTCTATAGGTAGCACTGGCTGTATCCTTGAACTTGAGAACATTC[C>T]TCCGGCTTCAACCCCACAGCAATGGGAAAGTGGACCTCAGCTTACCCAACATTGGTATCA-3'
Protein context (NP_000422.1, residues 29-49): LAVSLNLRTF[Leu39Phe]RLQPHSNGKV

ClinVar aggregate classification (germline): Uncertain significance. Review status: criteria provided, multiple submitters, no conflicts (2 of 4 stars). 2 submissions from 2 submitters: Uncertain significance (2). Last evaluated 2025-03-11.

Conditions:
Mevalonic aciduria (MEVA). Identifiers: Orphanet 29, MedGen C1959626, MONDO:0012481, OMIM 610377.
Porokeratosis 3, disseminated superficial actinic type (POROK3). Also called: POROKERATOSIS, DISSEMINATED SUPERFICIAL ACTINIC, 1; POROKERATOSIS 3, MULTIPLE TYPES; POROKERATOSIS 3, MIBELLI TYPE. Identifiers: MedGen C1867981, MONDO:0008293, OMIM 175900.
Hyperimmunoglobulin D with periodic fever (HIDS). Also called: HYPERIMMUNOGLOBULINEMIA D AND PERIODIC FEVER SYNDROME; Hyperimmunoglobulinemia D; Hyperimmunoglobulinemia D with periodic fever. Identifiers: Orphanet 343, MedGen C0398691, MONDO:0009849, OMIM 260920.

Submissions (2):

GeneDx
Classification: Uncertain significance. Last evaluated: 2025-03-11. Review status: criteria provided, single submitter. Criteria: GeneDx Variant Classification Process June 2021. Collection method: clinical testing. Allele origin: germline. Affected: yes.
Comment: Not observed at significant frequency in large population cohorts (gnomAD); In silico analysis supports that this missense variant has a deleterious effect on protein structure/function; Has not been previously published as pathogenic or benign to our knowledge

Fulgent Genetics
Classification: Uncertain significance for Porokeratosis 3, disseminated superficial actinic type; Hyperimmunoglobulin D with periodic fever; Mevalonic aciduria. Last evaluated: 2023-12-29. Review status: criteria provided, single submitter. Criteria: ACMG Guidelines, 2015. Collection method: clinical testing. Allele origin: germline.